The following is an entry in ClinVar:

ClinVar aggregate classification (germline): Benign/Likely benign. Review status: criteria provided, multiple submitters, no conflicts (2 of 4 stars). 3 submissions from 3 submitters: Benign (1); Likely benign (2). Last evaluated 2026-06-10.

Conditions:
Tumor predisposition syndrome 2 (TPDS2). Also called: MBD4-Related Tumor Predisposition Syndrome; MBD4-associated neoplasia syndrome (MANS); MBD4-ASSOCIATED NEOPLASIA SYNDROME. Identifiers: Orphanet 661526, MedGen C5774186, MONDO:0859267, OMIM 619975.
Inborn genetic diseases. Identifiers: MedGen C0950123, MeSH D030342.

gnomAD v4.1: 4 of 1,613,880 alleles (0.00025%); highest among the groups gnomAD compares: East Asian, 0.0022%; no homozygotes.

Submissions (3):

Myriad Genetics, Inc.
Classification: Benign for Tumor predisposition syndrome 2. Last evaluated: 2026-06-10. Review status: criteria provided, single submitter. Criteria: Myriad Autosomal Dominant, Autosomal Recessive and X-Linked Classification Criteria (2023). Collection method: clinical testing. Allele origin: unknown.
Comment: This variant is considered benign. This variant is a silent/synonymous amino acid change and it is not expected to impact splicing.

Labcorp Genetics (formerly Invitae), Labcorp
Classification: Likely benign. Last evaluated: 2025-09-11. Review status: criteria provided, single submitter. Criteria: Invitae Variant Classification Sherloc (09022015). Collection method: clinical testing. Allele origin: germline.

Ambry Genetics
Classification: Likely benign for Inborn genetic diseases. Last evaluated: 2025-03-01. Review status: criteria provided, single submitter. Criteria: Ambry Variant Classification Scheme 2023. Collection method: clinical testing. Allele origin: germline.

NM_001276270.2(MBD4):c.894G>A (p.Glu298=)

Gene: MBD4 (methyl-CpG binding domain 4, DNA glycosylase; minus strand). Cytogenetic location: 3q21.3.
Variant type: single nucleotide variant.
Coding change: c.894G>A on transcript NM_001276270.2 (MANE Select); coding-DNA position 894, G replaced by A.
Protein change: p.Glu298=; no amino-acid change (glutamic acid 298 retained).
Molecular consequence: synonymous variant. On other transcripts: intron variant (1).
Genome position (GRCh38, 1-based): chr3:129,436,750, C>T on the plus strand (G>A on the coding strand, the complement: MBD4 is on the minus strand). VCF-style: chr3-129436750-C-T. GRCh37 (hg19) VCF-style: chr3-129155593-C-T.
Other names: c.894G>A, p.Glu298= (NM_001276271.2, NM_001276272.2, NM_003925.3); c.247+1058G>A (NM_001276273.2).
Identifiers: ClinVar variation 3689288 (VCV003689288.4).